The following is an entry in ClinVar:

NM_018117.12(WDR11):c.1343G>A (p.Arg448Gln)

Gene: WDR11 (WD repeat domain 11; plus strand). Cytogenetic location: 10q26.12.
Variant type: single nucleotide variant.
Coding change: c.1343G>A on transcript NM_018117.12 (MANE Select); coding-DNA position 1343, G replaced by A.
Protein change: p.Arg448Gln; replaces arginine 448 with glutamine.
Molecular consequence: missense variant.
Genome position (GRCh38, 1-based): chr10:120,871,218, G>A. VCF-style: chr10-120871218-G-A. GRCh37 (hg19) VCF-style: chr10-122630730-G-A.
Other names: short protein forms R448Q.
Identifiers: ClinVar variation 68839 (VCV000068839.6), dbSNP rs144440500, ClinGen allele CA220078.

ClinVar aggregate classification (germline): Uncertain significance. Review status: criteria provided, single submitter (1 of 4 stars). 2 submissions from 2 submitters: Uncertain significance (1). 1 of the submissions does not count toward it. Last evaluated 2023-12-23.

Allele frequency attached by ClinVar (database versions not stated): gnomAD exomes 0.00032 and 0.00016; gnomAD 0.00017 and 0.00018; ESP Exome Variant Server 0.00023; ExAC 0.00016; TOPMed 0.00016.
gnomAD v4.1: 504 of 1,613,986 alleles (0.031%); highest among the groups gnomAD compares: Non-Finnish European, 0.039%; no homozygotes.

Submissions (2):

Labcorp Genetics (formerly Invitae), Labcorp
Classification: Uncertain significance. Last evaluated: 2023-12-23. Review status: criteria provided, single submitter. Criteria: Invitae Variant Classification Sherloc (09022015). Collection method: clinical testing. Allele origin: germline.
Comment: This sequence change replaces arginine, which is basic and polar, with glutamine, which is neutral and polar, at codon 448 of the WDR11 protein (p.Arg448Gln). This variant is present in population databases (rs144440500, gnomAD 0.03%). This missense change has been observed in individuals with idiopathic hypogonadotropic hypogonadism (PMID: 20887964; Invitae). ClinVar contains an entry for this variant (Variation ID: 68839). Algorithms developed to predict the effect of missense changes on protein structure and function output the following: SIFT: "Not Available"; PolyPhen-2: "Benign"; Align-GVGD: "Not Available". The glutamine amino acid residue is found in multiple mammalian species, which suggests that this missense change does not adversely affect protein function. Experimental studies have shown that this missense change affects WDR11 function (PMID: 29263200). This variant disrupts the p.Arg448 amino acid residue in WDR11. Other variant(s) that disrupt this residue have been observed in individuals with WDR11-related conditions (PMID: 20887964, 29419413), which suggests that this may be a clinically significant amino acid residue. In summary, the available evidence is currently insufficient to determine the role of this variant in disease. Therefore, it has been classified as a Variant of Uncertain Significance.

UniProtKB/Swiss-Prot
No classification provided. Review status: no classification provided. Collection method: not provided. Allele origin: not provided. Not counted in ClinVar's aggregate classification.

Literature cited by the submitters: PubMed 20887964 (cited by Labcorp Genetics (formerly Invitae), Labcorp); PubMed 29263200 (cited by Labcorp Genetics (formerly Invitae), Labcorp); PubMed 29419413 (cited by Labcorp Genetics (formerly Invitae), Labcorp).